The following is an entry in ClinVar:

NM_005431.2(XRCC2):c.797A>G (p.Lys266Arg)

Gene: XRCC2 (X-ray repair cross complementing 2; minus strand). Cytogenetic location: 7q36.1.
Variant type: single nucleotide variant.
Coding change: c.797A>G on transcript NM_005431.2 (MANE Select); coding-DNA position 797, A replaced by G.
Protein change: p.Lys266Arg; replaces lysine 266 with arginine.
Molecular consequence: missense variant.
Genome position (GRCh38, 1-based): chr7:152,648,688, T>C on the plus strand (A>G on the coding strand, the complement: XRCC2 is on the minus strand). VCF-style: chr7-152648688-T-C. GRCh37 (hg19) VCF-style: chr7-152345773-T-C.
Other names: short protein forms K266R.
Identifiers: ClinVar variation 3471458 (VCV003471458.1).

ClinVar aggregate classification (germline): Uncertain significance (1 of 4 stars; one submission).

Conditions:
Hereditary cancer-predisposing syndrome. Also called: Tumor predisposition; Neoplastic Syndromes, Hereditary; Hereditary neoplastic syndrome; Hereditary Cancer Syndrome. Identifiers: Orphanet 140162, MedGen C0027672, MeSH D009386, MONDO:0015356.

Submission:

Ambry Genetics
Classification: Uncertain significance for Hereditary cancer-predisposing syndrome. Last evaluated: 2024-07-03. Review status: criteria provided, single submitter. Criteria: Ambry Variant Classification Scheme 2023. Collection method: clinical testing. Allele origin: germline.
Comment: The p.K266R variant (also known as c.797A>G), located in coding exon 3 of the XRCC2 gene, results from an A to G substitution at nucleotide position 797. The lysine at codon 266 is replaced by arginine, an amino acid with highly similar properties. This amino acid position is conserved. In addition, this alteration is predicted to be tolerated by in silico analysis. Based on the available evidence, the clinical significance of this variant remains unclear.